The following is an entry in ClinVar:

NM_001267550.2(TTN):c.99702G>A (p.Gln33234=)

Genes: TTN (titin; minus strand), TTN-AS1 (TTN antisense RNA 1; plus strand), LOC126806420 (BRD4-independent group 4 enhancer GRCh37_chr2:179401104-179402303; plus strand). Cytogenetic location: 2q31.2.
Variant type: single nucleotide variant.
Coding change: c.99702G>A on transcript NM_001267550.2 (MANE Select); coding-DNA position 99702, G replaced by A.
Protein change: p.Gln33234=; no amino-acid change (glutamine 33234 retained).
Molecular consequence: synonymous variant. On other transcripts: non-coding transcript variant (1).
Genome position (GRCh38, 1-based): chr2:178,537,505, C>T on the plus strand (G>A on the coding strand, the complement: TTN is on the minus strand). VCF-style: chr2-178537505-C-T. GRCh37 (hg19) VCF-style: chr2-179402232-C-T.
Other names: c.94779G>A, p.Gln31593= (NM_001256850.1); c.72507G>A, p.Gln24169= (NM_003319.4); c.91998G>A, p.Gln30666= (NM_133378.4); c.72882G>A, p.Gln24294= (NM_133432.3); c.73083G>A, p.Gln24361= (NM_133437.4).
Identifiers: ClinVar variation 1455147 (VCV001455147.9), dbSNP rs185925881, ClinGen allele CA60961606.

ClinVar aggregate classification (germline): Likely benign. Review status: criteria provided, multiple submitters, no conflicts (2 of 4 stars). 2 submissions from 2 submitters: Likely benign (2). Last evaluated 2026-07-09.

Conditions:
TTN-related disorder. Also called: TTN-related disorders; TTN-related condition; TTN-related disease.
Autosomal recessive limb-girdle muscular dystrophy type 2J (LGMDR10). Also called: Limb-girdle muscular dystrophy, type 2J; MUSCULAR DYSTROPHY, LIMB-GIRDLE, AUTOSOMAL RECESSIVE 10. Identifiers: Orphanet 140922, MedGen C1837342, MONDO:0012127, OMIM 608807.
Dilated cardiomyopathy 1G (CMD1G). Identifiers: Orphanet 154, MedGen C1858763, MONDO:0011400, OMIM 604145.

Allele frequency attached by ClinVar (database versions not stated): gnomAD exomes below 0.00001 and 0.00001; gnomAD 0.00001; TOPMed 0.00001; 1000 Genomes Project 0.00020; 1000 Genomes Project 30x 0.00031.
gnomAD v4.1: 3 of 1,613,718 alleles (0.00019%); highest among the groups gnomAD compares: Admixed American, 0.005%; no homozygotes.

Submissions (2):

PreventionGenetics, part of Exact Sciences
Classification: Likely benign for TTN-related condition. Last evaluated: 2026-07-09. Review status: criteria provided, single submitter. Criteria: ACMG Guidelines, 2015. Collection method: clinical testing. Allele origin: germline.
Comment: This variant is classified as likely benign based on ACMG/AMP sequence variant interpretation guidelines (Richards et al. 2015 PMID: 25741868, with internal and published modifications).

Labcorp Genetics (formerly Invitae), Labcorp
Classification: Likely benign for Dilated cardiomyopathy 1G; Autosomal recessive limb-girdle muscular dystrophy type 2J. Last evaluated: 2025-10-26. Review status: criteria provided, single submitter. Criteria: Invitae Variant Classification Sherloc (09022015). Collection method: clinical testing. Allele origin: germline.